The following is an entry in ClinVar:

ClinVar aggregate classification (germline): Uncertain significance (1 of 4 stars; one submission).

Conditions:
Hereditary cancer-predisposing syndrome. Also called: Tumor predisposition; Neoplastic Syndromes, Hereditary; Hereditary Cancer Syndrome; Hereditary neoplastic syndrome. Identifiers: Orphanet 140162, MedGen C0027672, MeSH D009386, MONDO:0015356.

Submission:

Ambry Genetics
Classification: Uncertain significance for Hereditary cancer-predisposing syndrome. Last evaluated: 2025-01-15. Review status: criteria provided, single submitter. Criteria: Ambry Variant Classification Scheme 2023. Collection method: clinical testing. Allele origin: germline.
Comment: The p.V754D variant (also known as c.2261T>A), located in coding exon 13 of the PMS2 gene, results from a T to A substitution at nucleotide position 2261. The valine at codon 754 is replaced by aspartic acid, an amino acid with highly dissimilar properties. This amino acid position is conserved. In addition, this alteration is predicted to be tolerated by in silico analysis. Based on the available evidence, the clinical significance of this variant remains unclear.

NM_000535.7(PMS2):c.2261T>A (p.Val754Asp)

Gene: PMS2 (PMS1 homolog 2, mismatch repair system component; minus strand). Cytogenetic location: 7p22.1.
Variant type: single nucleotide variant.
Coding change: c.2261T>A on transcript NM_000535.7 (MANE Select); coding-DNA position 2261, T replaced by A.
Protein change: p.Val754Asp; replaces valine 754 with aspartic acid.
Molecular consequence: missense variant. On other transcripts: non-coding transcript variant (1), intron variant (2).
Genome position (GRCh38, 1-based): chr7:5,978,610, A>T on the plus strand (T>A on the coding strand, the complement: PMS2 is on the minus strand). VCF-style: chr7-5978610-A-T. GRCh37 (hg19) VCF-style: chr7-6018241-A-T.
Other names: c.1856T>A, p.Val619Asp (NM_001322003.2, NM_001322004.2, NM_001322005.2 and 14 more transcripts); c.2105T>A, p.Val702Asp (NM_001322006.2, NM_001406870.1); c.1943T>A, p.Val648Asp (NM_001322007.2, NM_001322008.2, NM_001406876.1 and 1 more transcripts); c.1700T>A, p.Val567Asp (NM_001322010.2, NM_001406906.1, NM_001406907.1); c.1328T>A, p.Val443Asp (NM_001322011.2, NM_001322012.2); c.1688T>A, p.Val563Asp (NM_001322013.2, NM_001406908.1, NM_001406909.1); c.2261T>A, p.Val754Asp (NM_001322014.2); c.1952T>A, p.Val651Asp (NM_001322015.2, NM_001406875.1, NM_001406877.1 and 5 more transcripts); and 16 more; short protein forms V443D, V619D, V632D, V646D, V688D, V702D, V718D, V754D.
Identifiers: ClinVar variation 3890986 (VCV003890986.1).
Genomic context (GRCh38, chr7:5,978,610, plus strand): 5'-CGTGAGCCACCACACCCAGCCGCTATAGTTCTAATTAATAACTTACCATTTTCATCGATA[A>T]CAAAATCAAAGCCATTCTTTCTAAATATTTCCAGATTTTCTATCAGAACAGCTTCATTAA-3'
Protein context (NP_000526.2, residues 744-764): EIFRKNGFDF[Val754Asp]IDENAPVTER